The following is an entry in ClinVar:

ClinVar aggregate classification (germline): Uncertain significance (1 of 4 stars; one submission).

Conditions:
Malignant hyperthermia, susceptibility to, 5 (MHS5). Also called: CACNA1S-Related Malignant Hyperthermia Susceptibility. Identifiers: Orphanet 423, MedGen C1866077, MONDO:0011163, OMIM 601887.

Submission:

All of Us Research Program, National Institutes of Health
Classification: Uncertain significance for Malignant hyperthermia, susceptibility to, 5. Last evaluated: 2024-05-14. Review status: criteria provided, single submitter. Criteria: ACMG Guidelines, 2015. Collection method: clinical testing. Allele origin: germline. Inheritance: Autosomal dominant inheritance. Observed: 1 variant allele, 1 heterozygote.
Comment: This missense variant replaces methionine with valine at codon 1635 of the CACNA1S protein. Computational prediction suggests that this variant may not impact protein structure and function (internally defined REVEL score threshold <= 0.5, PMID: 27666373). To our knowledge, functional studies have not been reported for this variant. This variant has not been reported in individuals affected with CACNA1S-related disorders in the literature. This variant has not been identified in the general population by the Genome Aggregation Database (gnomAD). The available evidence is insufficient to determine the role of this variant in disease conclusively. Therefore, this variant is classified as a Variant of Uncertain Significance.

This study involves interpretation of variants in research participants for the purpose of population health screening. Participant phenotype was not available at the time of variant classification. Additional details can be found in publication PMID: 35346344, PMCID: PMC8962531

NM_000069.3(CACNA1S):c.4903A>G (p.Met1635Val)

Gene: CACNA1S (calcium voltage-gated channel subunit alpha1 S; minus strand). Cytogenetic location: 1q32.1.
Variant type: single nucleotide variant.
Coding change: c.4903A>G on transcript NM_000069.3 (MANE Select); coding-DNA position 4903, A replaced by G.
Protein change: p.Met1635Val; replaces methionine 1635 with valine.
Molecular consequence: missense variant.
Genome position (GRCh38, 1-based): chr1:201,043,426, T>C on the plus strand (A>G on the coding strand, the complement: CACNA1S is on the minus strand). VCF-style: chr1-201043426-T-C. GRCh37 (hg19) VCF-style: chr1-201012554-T-C.
Other names: short protein forms M1635V.
Identifiers: ClinVar variation 3386286 (VCV003386286.1).